The following is an entry in ClinVar:

NM_014339.7(IL17RA):c.354G>C (p.Gln118His)

Gene: IL17RA (interleukin 17 receptor A; plus strand). Cytogenetic location: 22q11.1.
Variant type: single nucleotide variant.
Coding change: c.354G>C on transcript NM_014339.7 (MANE Select); coding-DNA position 354, G replaced by C.
Protein change: p.Gln118His; replaces glutamine 118 with histidine.
Molecular consequence: missense variant.
Genome position (GRCh38, 1-based): chr22:17,098,818, G>C. VCF-style: chr22-17098818-G-C. GRCh37 (hg19) VCF-style: chr22-17579708-G-C.
Other names: c.354G>C, p.Gln118His (NM_001289905.2); short protein forms Q118H.
Identifiers: ClinVar variation 2014320 (VCV002014320.4), dbSNP rs762177800, ClinGen allele CA410211340.

ClinVar aggregate classification (germline): Uncertain significance (1 of 4 stars; one submission).

Conditions:
Immunodeficiency 51 (IMD51). Also called: CANDIDIASIS, FAMILIAL, 5. Identifiers: Orphanet 1334, MedGen C4310803, MONDO:0013500, OMIM 613953.

Submission:

Labcorp Genetics (formerly Invitae), Labcorp
Classification: Uncertain significance for Immunodeficiency 51. Last evaluated: 2022-07-06. Review status: criteria provided, single submitter. Criteria: Invitae Variant Classification Sherloc (09022015). Collection method: clinical testing. Allele origin: germline.
Comment: In summary, the available evidence is currently insufficient to determine the role of this variant in disease. Therefore, it has been classified as a Variant of Uncertain Significance. This sequence change replaces glutamine, which is neutral and polar, with histidine, which is basic and polar, at codon 118 of the IL17RA protein (p.Gln118His). This variant is not present in population databases (gnomAD no frequency). This variant has not been reported in the literature in individuals affected with IL17RA-related conditions. Algorithms developed to predict the effect of missense changes on protein structure and function are either unavailable or do not agree on the potential impact of this missense change (SIFT: "Deleterious"; PolyPhen-2: "Probably Damaging"; Align-GVGD: "Class C0").